The following is an entry in ClinVar:

ClinVar aggregate classification (germline): Pathogenic (1 of 4 stars; one submission).

Conditions:
Retinoblastoma (RB1). Also called: RETINOBLASTOMA, SOMATIC. Identifiers: Orphanet 790, MedGen C0035335, MeSH D012175, MONDO:0008380, OMIM 180200, HP:0009919. Disease mechanism: loss of function. Inheritance: Both sporadic and heritable forms are tested..

Submission:

Labcorp Genetics (formerly Invitae), Labcorp
Classification: Pathogenic for Retinoblastoma. Last evaluated: 2020-05-25. Review status: criteria provided, single submitter. Criteria: Invitae Variant Classification Sherloc (09022015). Collection method: clinical testing. Allele origin: germline.
Comment: This sequence change creates a premature translational stop signal (p.Ala525Profs*7) in the RB1 gene. It is expected to result in an absent or disrupted protein product. This variant is not present in population databases (ExAC no frequency). This variant has been reported in individuals in the Leiden Open-source Variation Database (PMID: 21520333). Loss-of-function variants in RB1 are known to be pathogenic (PMID: 17096365). For these reasons, this variant has been classified as Pathogenic.

Literature cited by the submitters: PubMed 21520333; PubMed 17096365.

NM_000321.3(RB1):c.1572del (p.Ala525fs)

Gene: RB1 (RB transcriptional corepressor 1; plus strand). Cytogenetic location: 13q14.2.
Variant type: Deletion.
Coding change: c.1572del on transcript NM_000321.3 (MANE Select); coding-DNA position 1572, one base deleted (A; older notation c.1572delA).
Protein change: p.Ala525fs; shifts the reading frame from alanine 525.
Molecular consequence: frameshift variant.
Genome position (GRCh38, 1-based): chr13:48,381,320, A deleted; the last of 4 consecutive A bases (chr13:48,381,317-48,381,320); deleting any one gives the same sequence. VCF-style (leftmost placement, unchanged base first): chr13-48381316-TA-T. GRCh37 (hg19) VCF-style: chr13-48955452-TA-T.
Other names: short protein forms A525fs.
Identifiers: ClinVar variation 1074044 (VCV001074044.9), dbSNP rs2138145163, ClinGen allele CA2499222454.
Genomic context (GRCh38, chr13:48,381,316, plus strand): 5'-CTCAGAATCTTGATTCTGGAACAGATTTGTCTTTCCCATGGATTCTGAATGTGCTTAATT[TA>T]AAAGCCTTTGATTTTTACAAAGTGATCGAAAGTTTTATCAAAGCAGAAGGCAACTTGACA-3'